The following is an entry in ClinVar:

ClinVar aggregate classification (germline): Conflicting classifications of pathogenicity. Review status: criteria provided, conflicting classifications (1 of 4 stars). 2 submissions from 2 submitters: Pathogenic (1); Uncertain significance (1). Last evaluated 2023-09-17.

Allele frequency attached by ClinVar (database versions not stated): ExAC 0.00001; gnomAD 0.00001; TOPMed 0.00001; gnomAD exomes 0.00002 and 0.00003.

Submissions (2):

Labcorp Genetics (formerly Invitae), Labcorp
Classification: Pathogenic. Last evaluated: 2023-09-17. Review status: criteria provided, single submitter. Criteria: Invitae Variant Classification Sherloc (09022015). Collection method: clinical testing. Allele origin: germline.
Comment: Advanced modeling of protein sequence and biophysical properties (such as structural, functional, and spatial information, amino acid conservation, physicochemical variation, residue mobility, and thermodynamic stability) performed at Invitae indicates that this missense variant is expected to disrupt NEU1 protein function. This sequence change replaces valine, which is neutral and non-polar, with alanine, which is neutral and non-polar, at codon 275 of the NEU1 protein (p.Val275Ala). This variant is present in population databases (rs769947055, gnomAD 0.004%). This missense change has been observed in individual(s) with sialidosis (PMID: 14517945, 25600812; Invitae). In at least one individual the data is consistent with being in trans (on the opposite chromosome) from a pathogenic variant. ClinVar contains an entry for this variant (Variation ID: 948537). Experimental studies have shown that this missense change affects NEU1 function (PMID: 25600812). For these reasons, this variant has been classified as Pathogenic.

Blueprint Genetics
Classification: Uncertain significance. Last evaluated: 2018-01-25. Review status: criteria provided, single submitter. Criteria: ACMG Guidelines, 2015. Collection method: clinical testing. Allele origin: germline.

Literature cited by the submitters: PubMed 14517945 (cited by Labcorp Genetics (formerly Invitae), Labcorp); PubMed 25600812 (cited by Labcorp Genetics (formerly Invitae), Labcorp).

NM_000434.4(NEU1):c.824T>C (p.Val275Ala)

Gene: NEU1 (neuraminidase 1; minus strand). Cytogenetic location: 6p21.33.
Variant type: single nucleotide variant.
Coding change: c.824T>C on transcript NM_000434.4 (MANE Select); coding-DNA position 824, T replaced by C.
Protein change: p.Val275Ala; replaces valine 275 with alanine.
Molecular consequence: missense variant.
Genome position (GRCh38, 1-based): chr6:31,860,239, A>G on the plus strand (T>C on the coding strand, the complement: NEU1 is on the minus strand). VCF-style: chr6-31860239-A-G. GRCh37 (hg19) VCF-style: chr6-31828016-A-G.
Other names: short protein forms V275A.
Identifiers: ClinVar variation 948537 (VCV000948537.10), dbSNP rs769947055, ClinGen allele CA3724938.
Genomic context (GRCh38, chr6:31,860,239, plus strand): 5'-CTGCGGAGGACAATTCGGCAGTGGCAGTGGTAGTTGTTCTGGTTTCGGGCATTGATGACG[A>G]CTGAGCCATCTGGGAGCTCATAGGGCTGAGGGGAGAGGACAGGACCTCAGGGAGGGAACA-3'
Protein context (NP_000425.1, residues 265-285): CQPYELPDGS[Val275Ala]VINARNQNNY